The following is an entry in ClinVar:

ClinVar aggregate classification (germline): Uncertain significance (1 of 4 stars; one submission).

Submission:

Labcorp Genetics (formerly Invitae), Labcorp
Classification: Uncertain significance. Last evaluated: 2025-01-13. Review status: criteria provided, single submitter. Criteria: Invitae Variant Classification Sherloc (09022015). Collection method: clinical testing. Allele origin: germline.
Comment: This sequence change creates a premature translational stop signal (p.Gln64*) in the ANKRD26 gene. It is expected to result in an absent or disrupted protein product. However, the current clinical and genetic evidence is not sufficient to establish whether loss-of-function variants in ANKRD26 cause disease. This variant is not present in population databases (gnomAD no frequency). This variant has not been reported in the literature in individuals affected with ANKRD26-related conditions. Algorithms developed to predict the effect of sequence changes on RNA splicing suggest that this variant may disrupt the consensus splice site. In summary, the available evidence is currently insufficient to determine the role of this variant in disease. Therefore, it has been classified as a Variant of Uncertain Significance.

NM_014915.3(ANKRD26):c.190C>T (p.Gln64Ter)

Gene: ANKRD26 (ankyrin repeat domain 26; minus strand). Cytogenetic location: 10p12.1.
Variant type: single nucleotide variant.
Coding change: c.190C>T on transcript NM_014915.3 (MANE Select); coding-DNA position 190, C replaced by T.
Protein change: p.Gln64Ter; replaces glutamine 64 with a stop codon.
Molecular consequence: nonsense.
Genome position (GRCh38, 1-based): chr10:27,100,137, G>A on the plus strand (C>T on the coding strand, the complement: ANKRD26 is on the minus strand). VCF-style: chr10-27100137-G-A. GRCh37 (hg19) VCF-style: chr10-27389066-G-A.
Other names: c.190C>T, p.Gln64Ter (NM_001256053.2); short protein forms Q64*.
Identifiers: ClinVar variation 3728950 (VCV003728950.2).
Genomic context (GRCh38, chr10:27,100,137, plus strand): 5'-CCTATTACCTGTTCATCTTGTCTCTATCGTTCAAGCCATTCTTCCTGAGCAAAAGGATCT[G>A]CTGCACTTTCGCCACATTACCCGCGCTGGCAGCTTTGTGGATCTTGCCGAGATCTCGGTC-3'